The following is an entry in ClinVar:

NM_003128.3(SPTBN1):c.5354A>T (p.Glu1785Val)

Gene: SPTBN1 (spectrin beta, non-erythrocytic 1; plus strand). Cytogenetic location: 2p16.2.
Variant type: single nucleotide variant.
Coding change: c.5354A>T on transcript NM_003128.3 (MANE Select); coding-DNA position 5354, A replaced by T.
Protein change: p.Glu1785Val; replaces glutamic acid 1785 with valine.
Molecular consequence: missense variant.
Genome position (GRCh38, 1-based): chr2:54,649,766, A>T. VCF-style: chr2-54649766-A-T. GRCh37 (hg19) VCF-style: chr2-54876903-A-T.
Other names: c.5315A>T, p.Glu1772Val (NM_178313.3); short protein forms E1785V, E1772V.
Identifiers: ClinVar variation 3731040 (VCV003731040.1).

ClinVar aggregate classification (germline): Uncertain significance (1 of 4 stars; one submission).

Submission:

GeneDx
Classification: Uncertain significance. Last evaluated: 2024-08-12. Review status: criteria provided, single submitter. Criteria: GeneDx Variant Classification Process June 2021. Collection method: clinical testing. Allele origin: germline. Affected: yes.
Comment: Not observed at significant frequency in large population cohorts (gnomAD); In silico analysis supports that this missense variant has a deleterious effect on protein structure/function; Has not been previously published as pathogenic or benign to our knowledge